The following is an entry in ClinVar:

NM_001379500.1(COL18A1):c.3833G>T (p.Gly1278Val)

Genes: COL18A1 (collagen type XVIII alpha 1 chain; plus strand), SLC19A1 (solute carrier family 19 member 1; minus strand). Cytogenetic location: 21q22.3.
Variant type: single nucleotide variant.
Coding change: c.3833G>T on transcript NM_001379500.1 (MANE Select); coding-DNA position 3833, G replaced by T.
Protein change: p.Gly1278Val; replaces glycine 1278 with valine.
Molecular consequence: missense variant.
Genome position (GRCh38, 1-based): chr21:45,512,211, G>T. VCF-style: chr21-45512211-G-T. GRCh37 (hg19) VCF-style: chr21-46932125-G-T.
Other names: c.4364G>T, p.Gly1455Val (NM_030582.4); c.5069G>T, p.Gly1690Val (NM_130444.3); short protein forms G1455V, G1278V, G1690V.
Identifiers: ClinVar variation 931536 (VCV000931536.3), dbSNP rs2037653033, ClinGen allele CA410502149.
Genomic context (GRCh38, chr21:45,512,211, plus strand): 5'-GGTCTGGGTTTGACTGACGGCCCGGCGCGTCTTACAGGCCCCAGAAGAGCGTGTGGCATG[G>T]CTCGGACCCCAACGGGCGCAGGCTGACCGAGAGCTACTGTGAGACGTGGCGGACGGAGGC-3'
Protein context (NP_001366429.1, residues 1268-1288): PTWPQKSVWH[Gly1278Val]SDPNGRRLTE

ClinVar aggregate classification (germline): Uncertain significance (1 of 4 stars; one submission).

Conditions:
Hereditary glaucoma, primary closed-angle. Also called: Glaucoma, primary closed-angle. Identifiers: MedGen C5394374, MONDO:0030038, OMIM 618880.

Submission:

Centre for Mendelian Genomics, University Medical Centre Ljubljana
Classification: Uncertain significance for Hereditary glaucoma, primary closed-angle. Last evaluated: 2019-06-25. Review status: criteria provided, single submitter. Criteria: ACMG Guidelines, 2015. Collection method: clinical testing. Allele origin: unknown. Affected: yes.
Comment: This variant was classified as: Uncertain significance. The available evidence favors the pathogenic nature of this variant, however the currently available data is insufficient to conclusively support its pathogenic nature. Thus this variant is classified as Uncertain significance - favor pathogenic. The following ACMG criteria were applied in classifying this variant: PM1,PM2,PP3.